The following is an entry in ClinVar:

ClinVar aggregate classification (germline): Uncertain significance. Review status: criteria provided, multiple submitters, no conflicts (2 of 4 stars). 4 submissions from 4 submitters: Uncertain significance (4). Last evaluated 2026-01-05.

Conditions:
Hereditary cancer-predisposing syndrome. Also called: Tumor predisposition; Neoplastic Syndromes, Hereditary; Hereditary neoplastic syndrome; Hereditary Cancer Syndrome. Identifiers: Orphanet 140162, MedGen C0027672, MeSH D009386, MONDO:0015356.
Ataxia-telangiectasia syndrome (AT). Also called: Ataxia-telangiectasia, complementation group D; AT, COMPLEMENTATION GROUP C; ATAXIA-TELANGIECTASIA, COMPLEMENTATION GROUP A; ATAXIA-TELANGIECTASIA, FRESNO VARIANT; Ataxia-telangiectasia; Ataxia telangiectasia (A-T). Identifiers: Orphanet 100, MedGen C0004135, MONDO:0008840, OMIM 208900.

Submissions (4):

Labcorp Genetics (formerly Invitae), Labcorp
Classification: Uncertain significance for Ataxia-telangiectasia syndrome. Last evaluated: 2026-01-05. Review status: criteria provided, single submitter. Criteria: Invitae Variant Classification Sherloc (09022015). Collection method: clinical testing. Allele origin: germline.
Comment: This sequence change replaces histidine, which is basic and polar, with proline, which is neutral and non-polar, at codon 2111 of the ATM protein (p.His2111Pro). This variant is not present in population databases (gnomAD no frequency). This variant has not been reported in the literature in individuals affected with ATM-related conditions. ClinVar contains an entry for this variant (Variation ID: 926631). Invitae Evidence Modeling of protein sequence and biophysical properties (such as structural, functional, and spatial information, amino acid conservation, physicochemical variation, residue mobility, and thermodynamic stability) indicates that this missense variant is not expected to disrupt ATM protein function with a negative predictive value of 95%. In summary, the available evidence is currently insufficient to determine the role of this variant in disease. Therefore, it has been classified as a Variant of Uncertain Significance.

Ambry Genetics
Classification: Uncertain significance for Hereditary cancer-predisposing syndrome. Last evaluated: 2024-03-13. Review status: criteria provided, single submitter. Criteria: Ambry Variant Classification Scheme 2023. Collection method: clinical testing. Allele origin: germline.
Comment: The p.H2111P variant (also known as c.6332A>C), located in coding exon 42 of the ATM gene, results from an A to C substitution at nucleotide position 6332. The histidine at codon 2111 is replaced by proline, an amino acid with similar properties. This amino acid position is not well conserved in available vertebrate species. In addition, this alteration is predicted to be tolerated by in silico analysis. Since supporting evidence is limited at this time, the clinical significance of this alteration remains unclear.

GeneDx
Classification: Uncertain significance. Last evaluated: 2023-10-17. Review status: criteria provided, single submitter. Criteria: GeneDx Variant Classification Process June 2021. Collection method: clinical testing. Allele origin: germline. Affected: yes.
Comment: Not observed at significant frequency in large population cohorts (gnomAD); In silico analysis supports that this missense variant does not alter protein structure/function; Has not been previously published as pathogenic or benign to our knowledge; This variant is associated with the following publications: (PMID: 23532176)

Color Diagnostics, LLC DBA Color Health
Classification: Uncertain significance for Hereditary cancer-predisposing syndrome. Last evaluated: 2019-11-07. Review status: criteria provided, single submitter. Criteria: ACMG Guidelines, 2015. Collection method: clinical testing. Allele origin: germline.
Comment: This missense variant replaces histidine with proline at codon 2111 of the ATM protein. Computational prediction suggests that this variant may not impact protein structure and function (internally defined REVEL score threshold <= 0.5, PMID: 27666373). Splice site prediction tools suggest that this variant may not impact RNA splicing. To our knowledge, functional studies have not been performed for this variant. This variant has not been reported in individuals affected with hereditary cancer in the literature. This variant has not been identified in the general population by the Genome Aggregation Database (gnomAD). The available evidence is insufficient to determine the role of this variant in disease conclusively. Therefore, this variant is classified as a Variant of Uncertain Significance.

NM_000051.4(ATM):c.6332A>C (p.His2111Pro)

Genes: ATM (ATM serine/threonine kinase; plus strand), C11orf65 (chromosome 11 open reading frame 65; minus strand). Cytogenetic location: 11q22.3.
Variant type: single nucleotide variant.
Coding change: c.6332A>C on transcript NM_000051.4 (MANE Select); coding-DNA position 6332, A replaced by C.
Protein change: p.His2111Pro; replaces histidine 2111 with proline.
Molecular consequence: missense variant. On other transcripts: intron variant (2).
Genome position (GRCh38, 1-based): chr11:108,317,506, A>C. VCF-style: chr11-108317506-A-C. GRCh37 (hg19) VCF-style: chr11-108188233-A-C.
Other names: c.6332A>C, p.His2111Pro (NM_001351834.2); c.641-8435T>G (NM_001330368.2); c.*39-8435T>G (NM_001351110.2); short protein forms H2111P.
Identifiers: ClinVar variation 926631 (VCV000926631.15), dbSNP rs876658300, ClinGen allele CA382552272.